The following is an entry in ClinVar:

ClinVar aggregate classification (germline): Uncertain significance (1 of 4 stars; one submission).

gnomAD v4.1: 1 of 1,613,266 alleles (0.000062%); highest among the groups gnomAD compares: Non-Finnish European, 0.000085%; no homozygotes.

Submission:

CeGaT Center for Human Genetics Tuebingen
Classification: Uncertain significance. Last evaluated: 2026-08-01. Review status: criteria provided, single submitter. Criteria: CeGaT Center For Human Genetics Tuebingen Variant Classification Criteria Version 2. Collection method: clinical testing. Allele origin: germline. Affected: yes. Observed: 1 variant allele.
Comment: MYO6: PM2, BP4

NM_004999.4(MYO6):c.3040C>T (p.Leu1014=)

Gene: MYO6 (myosin VI; plus strand). Cytogenetic location: 6q14.1.
Variant type: single nucleotide variant.
Coding change: c.3040C>T on transcript NM_004999.4 (MANE Select); coding-DNA position 3040, C replaced by T.
Protein change: p.Leu1014=; no amino-acid change (leucine 1014 retained).
Molecular consequence: synonymous variant. On other transcripts: non-coding transcript variant (1).
Genome position (GRCh38, 1-based): chr6:75,892,623, C>T. VCF-style: chr6-75892623-C-T. GRCh37 (hg19) VCF-style: chr6-76602340-C-T.
Other names: c.3040C>T, p.Leu1014= (NM_001300899.2, NM_001368136.1, NM_001368137.1 and 2 more transcripts); c.3025C>T, p.Leu1009= (NM_001368138.1).
Identifiers: ClinVar variation 5039945 (VCV005039945.1).